The following is an entry in ClinVar:

ClinVar aggregate classification (germline): Uncertain significance. Review status: criteria provided, multiple submitters, no conflicts (2 of 4 stars). 2 submissions from 2 submitters: Uncertain significance (2). Last evaluated 2025-12-21.

Conditions:
Fanconi anemia (FA). Also called: Fanconi's anemia. Identifiers: Orphanet 84, MedGen C0015625, MeSH D005199, MONDO:0019391.
Fanconi anemia complementation group I (FANCI). Also called: FANCI-Related Fanconi Anemia. Identifiers: Orphanet 84, MedGen C1836861, MONDO:0012186, OMIM 609053.

Allele frequency attached by ClinVar (database versions not stated): gnomAD 0.00001; TOPMed 0.00001.
gnomAD v4.1: 109 of 1,614,020 alleles (0.0068%); highest among the groups gnomAD compares: Non-Finnish European, 0.0089%; no homozygotes.

Submissions (2):

Labcorp Genetics (formerly Invitae), Labcorp
Classification: Uncertain significance for Fanconi anemia. Last evaluated: 2025-12-21. Review status: criteria provided, single submitter. Criteria: Invitae Variant Classification Sherloc (09022015). Collection method: clinical testing. Allele origin: germline.
Comment: This sequence change replaces isoleucine, which is neutral and non-polar, with threonine, which is neutral and polar, at codon 735 of the FANCI protein (p.Ile735Thr). This variant is present in population databases (no rsID available, gnomAD 0.005%). This variant has not been reported in the literature in individuals affected with FANCI-related conditions. ClinVar contains an entry for this variant (Variation ID: 408251). Invitae Evidence Modeling of protein sequence and biophysical properties (such as structural, functional, and spatial information, amino acid conservation, physicochemical variation, residue mobility, and thermodynamic stability) indicates that this missense variant is not expected to disrupt FANCI protein function with a negative predictive value of 80%. In summary, the available evidence is currently insufficient to determine the role of this variant in disease. Therefore, it has been classified as a Variant of Uncertain Significance.

Fulgent Genetics
Classification: Uncertain significance for Fanconi anemia complementation group I. Last evaluated: 2021-11-11. Review status: criteria provided, single submitter. Criteria: ACMG Guidelines, 2015. Collection method: clinical testing. Allele origin: unknown.

NM_001113378.2(FANCI):c.2204T>C (p.Ile735Thr)

Gene: FANCI (FA complementation group I; plus strand). Cytogenetic location: 15q26.1.
Variant type: single nucleotide variant.
Coding change: c.2204T>C on transcript NM_001113378.2 (MANE Select); coding-DNA position 2204, T replaced by C.
Protein change: p.Ile735Thr; replaces isoleucine 735 with threonine.
Molecular consequence: missense variant.
Genome position (GRCh38, 1-based): chr15:89,292,976, T>C. VCF-style: chr15-89292976-T-C. GRCh37 (hg19) VCF-style: chr15-89836207-T-C.
Other names: c.1925T>C, p.Ile642Thr (NM_001376910.1); c.2204T>C, p.Ile735Thr (NM_001376911.1, NM_018193.3); short protein forms I735T, I642T.
Identifiers: ClinVar variation 408251 (VCV000408251.8), dbSNP rs911033971, ClinGen allele CA16614749.
Genomic context (GRCh38, chr15:89,292,976, plus strand): 5'-GTTAATTTTTATCTTGTGTCTTTTAGGATAAATCAGCAGATTTTTCTCAGAGCACCAGTA[T>C]TGGCATAAAAAATAATATCTGTGCTTTTCTTGTGATGGGAGTTTGTGAGGTTTTAATAGA-3'
Protein context (NP_001106849.1, residues 725-745): KSADFSQSTS[Ile735Thr]GIKNNICAFL